The following is an entry in ClinVar:

ClinVar aggregate classification (germline): Benign/Likely benign. Review status: criteria provided, multiple submitters, no conflicts (2 of 4 stars). 2 submissions from 2 submitters: Benign (1); Likely benign (1). Last evaluated 2025-12-21.

Conditions:
Brain small vessel disease 2A, autosomal dominant. Also called: Porencephaly 2. Identifiers: Orphanet 2940, Orphanet 99810, MedGen C3280970, MONDO:0013773, OMIM 614483.

Allele frequency attached by ClinVar (database versions not stated): gnomAD exomes below 0.00001 and 0.00001; ExAC 0.00002.
gnomAD v4.1: 4 of 1,613,960 alleles (0.00025%); highest among the groups gnomAD compares: South Asian, 0.0033%; no homozygotes.

Submissions (2):

Labcorp Genetics (formerly Invitae), Labcorp
Classification: Likely benign. Last evaluated: 2025-12-21. Review status: criteria provided, single submitter. Criteria: Invitae Variant Classification Sherloc (09022015). Collection method: clinical testing. Allele origin: germline.

Illumina Laboratory Services, Illumina
Classification: Benign for Brain small vessel disease 2A, autosomal dominant. Last evaluated: 2018-01-12. Review status: criteria provided, single submitter. Criteria: ICSL Variant Classification Criteria 13 December 2019. Collection method: clinical testing. Allele origin: germline.
Comment: This variant was observed in the ICSL laboratory as part of a predisposition screen in an ostensibly healthy population. It had not been previously curated by ICSL or reported in the Human Gene Mutation Database (HGMD: prior to June 1st, 2018), and was therefore a candidate for classification through an automated scoring system. Utilizing variant allele frequency, disease prevalence and penetrance estimates, and inheritance mode, an automated score was calculated to assess if this variant is too frequent to cause the disease. Based on the score and internal cut-off values, a variant classified as benign is not then subjected to further curation. The score for this variant resulted in a classification of benign for this disease.

NM_001846.4(COL4A2):c.4167G>A (p.Gly1389=)

Genes: COL4A2 (collagen type IV alpha 2 chain; plus strand), COL4A2-AS1 (COL4A2 antisense RNA 1; minus strand). Cytogenetic location: 13q34.
Variant type: single nucleotide variant.
Coding change: c.4167G>A on transcript NM_001846.4 (MANE Select); coding-DNA position 4167, G replaced by A.
Protein change: p.Gly1389=; no amino-acid change (glycine 1389 retained).
Molecular consequence: synonymous variant.
Genome position (GRCh38, 1-based): chr13:110,503,875, G>A. VCF-style: chr13-110503875-G-A. GRCh37 (hg19) VCF-style: chr13-111156222-G-A.
Identifiers: ClinVar variation 795857 (VCV000795857.9), dbSNP rs776334302, ClinGen allele CA7050436.